The following is an entry in ClinVar:

NM_006904.7(PRKDC):c.2967G>C (p.Met989Ile)

Gene: PRKDC (protein kinase, DNA-activated, catalytic subunit; minus strand). Cytogenetic location: 8q11.21.
Variant type: single nucleotide variant.
Coding change: c.2967G>C on transcript NM_006904.7 (MANE Select); coding-DNA position 2967, G replaced by C.
Protein change: p.Met989Ile; replaces methionine 989 with isoleucine.
Molecular consequence: missense variant.
Genome position (GRCh38, 1-based): chr8:47,904,944, C>G on the plus strand (G>C on the coding strand, the complement: PRKDC is on the minus strand). VCF-style: chr8-47904944-C-G. GRCh37 (hg19) VCF-style: chr8-48817504-C-G.
Other names: c.2967G>C, p.Met989Ile (NM_001081640.2); short protein forms M989I.
Identifiers: ClinVar variation 2453102 (VCV002453102.2), dbSNP rs2089747939, ClinGen allele CA371157528.
Genomic context (GRCh38, chr8:47,904,944, plus strand): 5'-TAAGGCAACAGTATCCTGACTTTCAAATTTCTTGTTGTTAGTGAACCAGTGAATCAGCTG[C>G]ATAACTAGTGGCTCATACAGTTGCCTTGTCACCTGAAGAAACAATACCATTAAAGTTAAT-3'
Protein context (NP_008835.5, residues 979-999): VTRQLYEPLV[Met989Ile]QLIHWFTNNK

ClinVar aggregate classification (germline): Uncertain significance (1 of 4 stars; one submission).

Allele frequency attached by ClinVar (database versions not stated): TOPMed below 0.00001.

Submission:

Ambry Genetics
Classification: Uncertain significance. Last evaluated: 2023-02-04. Review status: criteria provided, single submitter. Criteria: Ambry Variant Classification Scheme 2023. Collection method: clinical testing. Allele origin: germline.
Comment: The p.M989I variant (also known as c.2967G>C), located in coding exon 26 of the PRKDC gene, results from a G to C substitution at nucleotide position 2967. The methionine at codon 989 is replaced by isoleucine, an amino acid with highly similar properties. This amino acid position is conserved. In addition, the in silico prediction for this alteration is inconclusive. Since supporting evidence is limited at this time, the clinical significance of this alteration remains unclear.